The following is an entry in ClinVar:

NM_033380.3(COL4A5):c.1846_1854del (p.Asn616_Gly618del)

Gene: COL4A5 (collagen type IV alpha 5 chain; plus strand). Cytogenetic location: Xq22.3.
Variant type: Deletion.
Coding change: c.1846_1854del on transcript NM_033380.3 (MANE Select); coding-DNA positions 1846 to 1854, 9 bases deleted (AATATAGGG; older notation c.1846_1854delAATATAGGG).
Protein change: p.Asn616_Gly618del.
Molecular consequence: inframe deletion.
Genome position (GRCh38, 1-based): chrX:108,598,768-108,598,776, AATATAGGG deleted; deleting any 9 consecutive bases within chrX:108,598,764-108,598,776 gives the same sequence; the c. name uses the placement nearest the transcript's 3' end. VCF-style (leftmost placement, unchanged base first): chrX-108598763-CAGGGAATAT-C. GRCh37 (hg19) VCF-style: chrX-107841993-CAGGGAATAT-C.
Other names: c.1846_1854del, p.Asn616_Gly618del (NM_000495.5).
Identifiers: ClinVar variation 4850528 (VCV004850528.1), dbSNP rs1569494302.

ClinVar aggregate classification (germline): Likely pathogenic (1 of 4 stars; one submission).

Conditions:
Hematuria. Identifiers: MedGen C0018965, HP:0000790.

Submission:

Genetics Laboratory, Great Ormond Street Hospital NHS Foundation Trust, North Thames Genomic Laboratory Hub
Classification: Likely pathogenic for Haematuria. Last evaluated: 2026-03-13. Review status: criteria provided, single submitter. Criteria: ACGS Best Practice Guidelines for Variant Classification in Rare Disease 2024 v1.2. Collection method: clinical testing. Allele origin: germline. Affected: yes.
Comment: PS4_supporting, PM2_moderate, PM1_strong